The following is an entry in ClinVar:

NM_001723.7(DST):c.7477C>T (p.Leu2493Phe)

Gene: DST (dystonin; minus strand). Cytogenetic location: 6p12.1.
Variant type: single nucleotide variant.
Coding change: c.7477C>T on transcript NM_001723.7 (MANE Plus Clinical); coding-DNA position 7477, C replaced by T.
Protein change: p.Leu2493Phe; replaces leucine 2493 with phenylalanine.
Molecular consequence: missense variant. On other transcripts: intron variant (10).
Genome position (GRCh38, 1-based): chr6:56,615,990, G>A on the plus strand (C>T on the coding strand, the complement: DST is on the minus strand). VCF-style: chr6-56615990-G-A. GRCh37 (hg19) VCF-style: chr6-56480788-G-A.
Other names: c.4831-1506C>T (NM_001144769.5); c.4930-1506C>T (NM_001374722.1, NM_001374736.1); c.4957-1506C>T (NM_001374734.1); c.4417-1506C>T (NM_001144770.2); c.4297-1506C>T (NM_001374730.1, NM_001386100.1, NM_183380.4 and 1 more transcripts); c.3319-1506C>T (NM_015548.5); short protein forms L2493F.
Identifiers: ClinVar variation 862145 (VCV000862145.10), dbSNP rs779163570, ClinGen allele CA364562913.

ClinVar aggregate classification (germline): Uncertain significance (1 of 4 stars; one submission).

Conditions:
Epidermolysis bullosa simplex 3, localized or generalized intermediate, with BP230 deficiency (EBS3). Also called: Epidermolysis bullosa simplex due to BP230 deficiency; Epidermolysis bullosa simplex, autosomal recessive 2. Identifiers: Orphanet 412181, MedGen C3809470, MONDO:0014180, OMIM 615425.
Hereditary sensory and autonomic neuropathy type 6. Also called: Neuropathy, hereditary sensory and autonomic, type VI; HSAN VI. Identifiers: Orphanet 314381, MedGen C3539003, MONDO:0013839, OMIM 614653.

gnomAD v4.1: 1 of 1,614,224 alleles (0.000062%); highest among the groups gnomAD compares: East Asian, 0.0022%; no homozygotes.

Submission:

Labcorp Genetics (formerly Invitae), Labcorp
Classification: Uncertain significance for Epidermolysis bullosa simplex 3, localized or generalized intermediate, with BP230 deficiency; Hereditary sensory and autonomic neuropathy type 6. Last evaluated: 2019-05-10. Review status: criteria provided, single submitter. Criteria: Invitae Variant Classification Sherloc (09022015). Collection method: clinical testing. Allele origin: germline.
Comment: This variant is not present in population databases (ExAC no frequency). This sequence change replaces leucine with phenylalanine at codon 2493 of the DST protein (p.Leu2493Phe). The leucine residue is weakly conserved and there is a small physicochemical difference between leucine and phenylalanine. This variant has not been reported in the literature in individuals with DST-related conditions. Algorithms developed to predict the effect of missense changes on protein structure and function (SIFT, PolyPhen-2, Align-GVGD) all suggest that this variant is likely to be tolerated, but these predictions have not been confirmed by published functional studies and their clinical significance is uncertain. In summary, the available evidence is currently insufficient to determine the role of this variant in disease. Therefore, it has been classified as a Variant of Uncertain Significance.